The following is an entry in ClinVar:

NM_000038.6(APC):c.934-9G>A

Gene: APC (APC regulator of Wnt signaling pathway; plus strand). Cytogenetic location: 5q22.2.
Variant type: single nucleotide variant.
Coding change: c.934-9G>A on transcript NM_000038.6 (MANE Select); 9 bases into the intron before coding-DNA position 934, G replaced by A.
Molecular consequence: intron variant.
Genome position (GRCh38, 1-based): chr5:112,818,957, G>A. VCF-style: chr5-112818957-G-A. GRCh37 (hg19) VCF-style: chr5-112154654-G-A.
Other names: c.85-9G>A (NM_001407470.1, NM_001354906.2); c.85-312G>A (NM_001407472.1, NM_001407471.1); c.934-9G>A (NM_001407447.1, NM_001354895.2, NM_001407448.1 and 4 more transcripts); c.934-312G>A (NM_001407456.1, NM_001407460.1, NM_001407457.1 and 5 more transcripts); c.850-9G>A (NM_001407452.1, NM_001354899.2); c.850-312G>A (NM_001407469.1, NM_001407467.1); c.964-9G>A (NM_001407446.1, NM_001354897.2); c.964-312G>A (NM_001354902.2); and 5 more.
Identifiers: ClinVar variation 2566932 (VCV002566932.3), dbSNP rs2149778498, ClinGen allele CA2580612765.

ClinVar aggregate classification (germline): Uncertain significance (1 of 4 stars; one submission).

Conditions:
Hereditary cancer-predisposing syndrome. Also called: Hereditary neoplastic syndrome; Hereditary Cancer Syndrome; Neoplastic Syndromes, Hereditary; Tumor predisposition. Identifiers: Orphanet 140162, MedGen C0027672, MeSH D009386, MONDO:0015356.

Submission:

Ambry Genetics
Classification: Uncertain significance for Hereditary cancer-predisposing syndrome. Last evaluated: 2023-08-10. Review status: criteria provided, single submitter. Criteria: Ambry Variant Classification Scheme 2023. Collection method: clinical testing. Allele origin: germline.
Comment: The c.934-9G>A intronic variant results from a G to A substitution 9 nucleotides upstream from coding exon 9 in the APC gene. This alteration has been observed in at least one individual with a personal and/or family history that is consistent with APC-related disease (Ambry internal data). This nucleotide position is highly conserved in available vertebrate species. In silico splice site analysis predicts that this alteration will weaken the native splice acceptor site and will result in the creation or strengthening of a novel splice acceptor site. RNA studies have demonstrated that this alteration results in abnormal splicing, however additional studies are needed to determine the clinical impact of these findings (Ambry internal data). Since supporting evidence is limited at this time, the clinical significance of this alteration remains unclear.